The following is an entry in ClinVar:

ClinVar aggregate classification (germline): Uncertain significance (1 of 4 stars; one submission).

Conditions:
Transcobalamin II deficiency (TCN2D). Also called: Transcolabamin II deficiency; TC II DEFICIENCY; TCN2 DEFICIENCY. Identifiers: Orphanet 859, MedGen C0342701, MONDO:0010149, OMIM 275350.

Submission:

Labcorp Genetics (formerly Invitae), Labcorp
Classification: Uncertain significance for Transcobalamin II deficiency. Last evaluated: 2022-07-06. Review status: criteria provided, single submitter. Criteria: Invitae Variant Classification Sherloc (09022015). Collection method: clinical testing. Allele origin: germline.
Comment: In summary, the available evidence is currently insufficient to determine the role of this variant in disease. Therefore, it has been classified as a Variant of Uncertain Significance. Experimental studies and prediction algorithms are not available or were not evaluated, and the functional significance of this variant is currently unknown. This variant has not been reported in the literature in individuals affected with TCN2-related conditions. This variant is a gross deletion of the genomic region encompassing exon(s) 3-7 of the TCN2 gene. This variant would be expected to be in-frame, preserving the integrity of the reading frame.

NC_000022.10:g.(?_31008840)_(31013502_?)del

Gene: TCN2 (transcobalamin 2; plus strand). Cytogenetic location: 22q12.2.
Variant type: Deletion.
Identifiers: ClinVar variation 1064008 (VCV001064008.6).